The following is an entry in ClinVar:

NM_030777.4(SLC2A10):c.1168G>A (p.Ala390Thr)

Gene: SLC2A10 (solute carrier family 2 member 10; plus strand). Cytogenetic location: 20q13.12.
Variant type: single nucleotide variant.
Coding change: c.1168G>A on transcript NM_030777.4 (MANE Select); coding-DNA position 1168, G replaced by A.
Protein change: p.Ala390Thr; replaces alanine 390 with threonine.
Molecular consequence: missense variant.
Genome position (GRCh38, 1-based): chr20:46,726,204, G>A. VCF-style: chr20-46726204-G-A. GRCh37 (hg19) VCF-style: chr20-45354843-G-A.
Other names: c.1168G>A (NM_030777.3); short protein forms A390T.
Identifiers: ClinVar variation 1515374 (VCV001515374.7), dbSNP rs1281543071, ClinGen allele CA409269545.

ClinVar aggregate classification (germline): Uncertain significance. Review status: criteria provided, multiple submitters, no conflicts (2 of 4 stars). 2 submissions from 2 submitters: Uncertain significance (2). Last evaluated 2021-11-13.

Conditions:
Familial thoracic aortic aneurysm and aortic dissection (TAAD). Also called: Thoracic aortic aneurysms and dissections. Identifiers: Orphanet 91387, MedGen C4707243, MONDO:0019625.
Arterial tortuosity syndrome (ATORS). Identifiers: Orphanet 3342, MedGen C1859726, MONDO:0008818, OMIM 208050.

Allele frequency attached by ClinVar (database versions not stated): gnomAD exomes below 0.00001; TOPMed 0.00001.
gnomAD v4.1: 2 of 1,614,136 alleles (0.00012%); highest among the groups gnomAD compares: African/African-American, 0.0013%; no homozygotes.

Submissions (2):

Labcorp Genetics (formerly Invitae), Labcorp
Classification: Uncertain significance for Arterial tortuosity syndrome. Last evaluated: 2021-11-13. Review status: criteria provided, single submitter. Criteria: Invitae Variant Classification Sherloc (09022015). Collection method: clinical testing. Allele origin: germline.
Comment: In summary, the available evidence is currently insufficient to determine the role of this variant in disease. Therefore, it has been classified as a Variant of Uncertain Significance. Advanced modeling of protein sequence and biophysical properties (such as structural, functional, and spatial information, amino acid conservation, physicochemical variation, residue mobility, and thermodynamic stability) performed at Invitae indicates that this missense variant is not expected to disrupt SLC2A10 protein function. This variant has not been reported in the literature in individuals affected with SLC2A10-related conditions. This variant is not present in population databases (gnomAD no frequency). This sequence change replaces alanine, which is neutral and non-polar, with threonine, which is neutral and polar, at codon 390 of the SLC2A10 protein (p.Ala390Thr).

Ambry Genetics
Classification: Uncertain significance for Familial thoracic aortic aneurysm and aortic dissection. Last evaluated: 2021-09-15. Review status: criteria provided, single submitter. Criteria: Ambry Variant Classification Scheme 2023. Collection method: clinical testing. Allele origin: germline.